The following is an entry in ClinVar:

NM_004415.4(DSP):c.6341A>G (p.Asn2114Ser)

Gene: DSP (desmoplakin; plus strand). Cytogenetic location: 6p24.3.
Variant type: single nucleotide variant.
Coding change: c.6341A>G on transcript NM_004415.4 (MANE Select); coding-DNA position 6341, A replaced by G.
Protein change: p.Asn2114Ser; replaces asparagine 2114 with serine.
Molecular consequence: missense variant.
Genome position (GRCh38, 1-based): chr6:7,583,603, A>G. VCF-style: chr6-7583603-A-G. GRCh37 (hg19) VCF-style: chr6-7583836-A-G.
Other names: c.4544A>G, p.Asn1515Ser (NM_001008844.3); c.5012A>G, p.Asn1671Ser (NM_001319034.2); short protein forms N1515S, N1671S, N2114S.
Identifiers: ClinVar variation 4757071 (VCV004757071.1).
Genomic context (GRCh38, chr6:7,583,603, plus strand): 5'-CTGGTTTTGATGATCCATTTTCAGGCAAGACAGTATCTGTTTCAGAAGCCATCAAGAAAA[A>G]TTTGATTGATAGAGAAACCGGAATGCGCCTGCTGGAAGCCCAGATTGCTTCAGGGGGTGT-3'
Protein context (NP_004406.2, residues 2104-2124): TVSVSEAIKK[Asn2114Ser]LIDRETGMRL

ClinVar aggregate classification (germline): Uncertain significance (1 of 4 stars; one submission).

Conditions:
Cardiomyopathy (CMYO). Also called: Cardiomyopathies. Identifiers: Orphanet 167848, MedGen C0878544, MONDO:0004994, HP:0001638. Inheritance: Various modes of inheritance.

gnomAD v4.1: 1 of 1,614,046 alleles (0.000062%); highest among the groups gnomAD compares: Non-Finnish European, 0.000085%; no homozygotes.

Submission:

Color Diagnostics, LLC DBA Color Health
Classification: Uncertain significance for Cardiomyopathy. Last evaluated: 2025-06-23. Review status: criteria provided, single submitter. Criteria: ACMG Guidelines, 2015. Collection method: clinical testing. Allele origin: germline.
Comment: This missense variant replaces asparagine with serine at codon 2114 of the DSP protein. Computational prediction suggests that this variant may not impact protein structure and function. To our knowledge, functional studies have not been reported for this variant. This variant has not been reported in individuals affected with DSP-related disorders in the literature. This variant has not been identified in the general population by the Genome Aggregation Database (gnomAD). The available evidence is insufficient to determine the role of this variant in disease conclusively. Therefore, this variant is classified as a Variant of Uncertain Significance.